The following is an entry in ClinVar:

ClinVar aggregate classification (germline): Likely benign. Review status: criteria provided, multiple submitters, no conflicts (2 of 4 stars). 2 submissions from 2 submitters: Likely benign (2). Last evaluated 2025-12-16.

Allele frequency attached by ClinVar (database versions not stated): gnomAD exomes 0.00006 and 0.00025; ExAC 0.00008; gnomAD 0.00011 and 0.00012; TOPMed 0.00012; ESP Exome Variant Server 0.00024.
gnomAD v4.1: 373 of 1,612,836 alleles (0.023%); highest among the groups gnomAD compares: Non-Finnish European, 0.031%; no homozygotes.

Submissions (2):

Labcorp Genetics (formerly Invitae), Labcorp
Classification: Likely benign. Last evaluated: 2025-12-16. Review status: criteria provided, single submitter. Criteria: Invitae Variant Classification Sherloc (09022015). Collection method: clinical testing. Allele origin: germline.

GeneDx
Classification: Likely benign. Last evaluated: 2017-03-09. Review status: criteria provided, single submitter. Criteria: GeneDx Variant Classification (06012015). Collection method: clinical testing. Allele origin: germline. Affected: yes.
Comment: This variant is considered likely benign or benign based on one or more of the following criteria: it is a conservative change, it occurs at a poorly conserved position in the protein, it is predicted to be benign by multiple in silico algorithms, and/or has population frequency not consistent with disease.

NM_001042545.2(LTBP4):c.2944+15G>A

Gene: LTBP4 (latent transforming growth factor beta binding protein 4; plus strand). Cytogenetic location: 19q13.2.
Variant type: single nucleotide variant.
Coding change: c.2944+15G>A on transcript NM_001042545.2 (MANE Select); 15 bases into the intron after coding-DNA position 2944, G replaced by A.
Molecular consequence: intron variant.
Genome position (GRCh38, 1-based): chr19:40,617,035, G>A. VCF-style: chr19-40617035-G-A. GRCh37 (hg19) VCF-style: chr19-41122941-G-A.
Other names: c.3034+15G>A (NM_003573.2); c.3145+15G>A (NM_001042544.1).
Identifiers: ClinVar variation 507897 (VCV000507897.8), dbSNP rs368146894, ClinGen allele CA9448834.